The following is an entry in ClinVar:

ClinVar aggregate classification (germline): Uncertain significance. Review status: criteria provided, multiple submitters, no conflicts (2 of 4 stars). 2 submissions from 2 submitters: Uncertain significance (2). Last evaluated 2025-05-21.

Conditions:
Inborn genetic diseases. Identifiers: MedGen C0950123, MeSH D030342.

gnomAD v4.1: 125 of 1,613,004 alleles (0.0077%); highest among the groups gnomAD compares: Non-Finnish European, 0.01%; no homozygotes.

Submissions (2):

Ambry Genetics
Classification: Uncertain significance for Inborn genetic diseases. Last evaluated: 2025-05-21. Review status: criteria provided, single submitter. Criteria: Ambry Variant Classification Scheme 2023. Collection method: clinical testing. Allele origin: germline.

GeneDx
Classification: Uncertain significance. Last evaluated: 2024-09-03. Review status: criteria provided, single submitter. Criteria: GeneDx Variant Classification Process June 2021. Collection method: clinical testing. Allele origin: germline. Affected: yes.
Comment: In silico analysis supports that this missense variant does not alter protein structure/function; Has not been previously published as pathogenic or benign to our knowledge

NM_004667.6(HERC2):c.4360G>A (p.Ala1454Thr)

Gene: HERC2 (HECT and RLD domain containing E3 ubiquitin protein ligase 2; minus strand). Cytogenetic location: 15q13.1.
Variant type: single nucleotide variant.
Coding change: c.4360G>A on transcript NM_004667.6 (MANE Select); coding-DNA position 4360, G replaced by A.
Protein change: p.Ala1454Thr; replaces alanine 1454 with threonine.
Molecular consequence: missense variant.
Genome position (GRCh38, 1-based): chr15:28,233,553, C>T on the plus strand (G>A on the coding strand, the complement: HERC2 is on the minus strand). VCF-style: chr15-28233553-C-T. GRCh37 (hg19) VCF-style: chr15-28478699-C-T.
Other names: c.4360G>A (NM_004667.4); short protein forms A1454T.
Identifiers: ClinVar variation 3766107 (VCV003766107.2).